The following is an entry in ClinVar:

NM_002693.3(POLG):c.2458G>A (p.Ala820Thr)

Gene: POLG (DNA polymerase gamma, catalytic subunit; minus strand). Cytogenetic location: 15q26.1.
Variant type: single nucleotide variant.
Coding change: c.2458G>A on transcript NM_002693.3 (MANE Select); coding-DNA position 2458, G replaced by A.
Protein change: p.Ala820Thr; replaces alanine 820 with threonine.
Molecular consequence: missense variant.
Genome position (GRCh38, 1-based): chr15:89,321,984, C>T on the plus strand (G>A on the coding strand, the complement: POLG is on the minus strand). VCF-style: chr15-89321984-C-T. GRCh37 (hg19) VCF-style: chr15-89865215-C-T.
Other names: c.2458G>A, p.Ala820Thr (NM_001126131.2); short protein forms A820T.
Identifiers: ClinVar variation 2009263 (VCV002009263.4), dbSNP rs2509223362, ClinGen allele CA393754964.

ClinVar aggregate classification (germline): Uncertain significance (1 of 4 stars; one submission).

Conditions:
Progressive sclerosing poliodystrophy (MTDPS4A). Also called: Mitochondrial DNA Depletion Syndrome 4A; ALPERS PROGRESSIVE INFANTILE POLIODYSTROPHY; NEURONAL DEGENERATION OF CHILDHOOD WITH LIVER DISEASE, PROGRESSIVE; Mitochondrial DNA depletion syndrome 4A (Alpers type); Alpers Syndrome; ALPERS DIFFUSE DEGENERATION OF CEREBRAL GRAY MATTER WITH HEPATIC CIRRHOSIS. Identifiers: Orphanet 726, MedGen C0205710, MONDO:0008758, OMIM 203700.

Submission:

Labcorp Genetics (formerly Invitae), Labcorp
Classification: Uncertain significance for Progressive sclerosing poliodystrophy. Last evaluated: 2022-09-13. Review status: criteria provided, single submitter. Criteria: Invitae Variant Classification Sherloc (09022015). Collection method: clinical testing. Allele origin: germline.
Comment: This sequence change replaces alanine, which is neutral and non-polar, with threonine, which is neutral and polar, at codon 820 of the POLG protein (p.Ala820Thr). This variant is not present in population databases (gnomAD no frequency). This variant has not been reported in the literature in individuals affected with POLG-related conditions. Algorithms developed to predict the effect of missense changes on protein structure and function (SIFT, PolyPhen-2, Align-GVGD) all suggest that this variant is likely to be tolerated. In summary, the available evidence is currently insufficient to determine the role of this variant in disease. Therefore, it has been classified as a Variant of Uncertain Significance.